The following is an entry in ClinVar:

ClinVar aggregate classification (germline): Uncertain significance (1 of 4 stars; one submission).

Conditions:
Hereditary spastic paraplegia 11. Also called: Nakamura Osame syndrome; Autosomal recessive hereditary spastic paraplegia, mental impairment, and thin corpus callosum; Spastic Paraplegia 11; SPASTIC PARAPLEGIA, AUTOSOMAL RECESSIVE, COMPLICATED, WITH THIN CORPUS CALLOSUM; SPASTIC PARAPLEGIA, AUTOSOMAL RECESSIVE, WITH MENTAL IMPAIRMENT AND THIN CORPUS CALLOSUM; Spastic paraplegia, mental retardation and thin corpus callosum. Identifiers: Orphanet 2822, MedGen C1858479, MONDO:0011445, OMIM 604360.

Submission:

Labcorp Genetics (formerly Invitae), Labcorp
Classification: Uncertain significance for Hereditary spastic paraplegia 11. Last evaluated: 2015-07-29. Review status: criteria provided, single submitter. Criteria: Invitae Variant Classification Sherloc (09022015). Collection method: clinical testing. Allele origin: germline.
Comment: This sequence change replaces tyrosine with serine at codon 1008 of the SPG11 protein (p.Tyr1008Ser). The tyrosine residue is highly conserved and there is a large physicochemical difference between tyrosine and serine. This variant has not been published in the literature and is not present in population databases. Algorithms developed to predict the effect of missense changes on protein structure and function do not agree on the potential impact of this missense change (SIFT: "deleterious"; PolyPhen-2: "Probably Damaging"; Align-GVGD: "Class C0"). In summary, this is a novel missense change with uncertain impact on protein function. It has been classified as a Variant of Uncertain Significance.

NM_025137.4(SPG11):c.3023A>C (p.Tyr1008Ser)

Gene: SPG11 (SPG11 vesicle trafficking associated, spatacsin; minus strand). Cytogenetic location: 15q21.1.
Variant type: single nucleotide variant.
Coding change: c.3023A>C on transcript NM_025137.4 (MANE Select); coding-DNA position 3023, A replaced by C.
Protein change: p.Tyr1008Ser; replaces tyrosine 1008 with serine.
Molecular consequence: missense variant.
Genome position (GRCh38, 1-based): chr15:44,615,378, T>G on the plus strand (A>C on the coding strand, the complement: SPG11 is on the minus strand). VCF-style: chr15-44615378-T-G. GRCh37 (hg19) VCF-style: chr15-44907576-T-G.
Other names: c.3023A>C, p.Tyr1008Ser (NM_001160227.2); short protein forms Y1008S.
Identifiers: ClinVar variation 219650 (VCV000219650.1), dbSNP rs776158206, ClinGen allele CA349121.